The following is an entry in ClinVar:

ClinVar aggregate classification (germline): Uncertain significance (1 of 4 stars; one submission).

Submission:

GeneDx
Classification: Uncertain significance. Last evaluated: 2017-12-18. Review status: criteria provided, single submitter. Criteria: GeneDx Variant Classification (06012015). Collection method: clinical testing. Allele origin: germline. Affected: yes.
Comment: The c.4765+4A variant in the NSD1 gene has not been reported previously as a pathogenic variant, nor as a benign variant, to our knowledge. This variant is predicted by some in-silico splice prediction models to reduce the quality of the splice donor site in intron 12, and is expected to cause abnormal gene splicing. However, in the absence of RNA/functional studies, the actual effect of c.4765+4A in this individual is unknown. The c.4765+4A variant is not observed in large population cohorts (Lek et al., 2016). We interpret c.4765+4A as a variant of uncertain significance.

NM_022455.5(NSD1):c.4765+4A>G

Gene: NSD1 (nuclear receptor binding SET domain protein 1; plus strand). Cytogenetic location: 5q35.3.
Variant type: single nucleotide variant.
Coding change: c.4765+4A>G on transcript NM_022455.5 (MANE Select); 4 bases into the intron after coding-DNA position 4765, A replaced by G.
Molecular consequence: intron variant.
Genome position (GRCh38, 1-based): chr5:177,251,857, A>G. VCF-style: chr5-177251857-A-G. GRCh37 (hg19) VCF-style: chr5-176678858-A-G.
Other names: c.4765+4A>G (NM_001409301.1, NM_001409302.1, NM_001409303.1); c.4345+4A>G (NM_001409304.1); c.4012+4A>G (NM_001409305.1); c.3892+4A>G (NM_001409306.1, NM_001409308.1, NM_001409307.1 and 3 more transcripts).
Identifiers: ClinVar variation 489250 (VCV000489250.2), dbSNP rs1554198443, ClinGen allele CA658683434.